The following is an entry in ClinVar:

ClinVar aggregate classification (germline): Likely pathogenic (1 of 4 stars; one submission).

Conditions:
Usher syndrome type 2A. Also called: RETINAL DISEASE IN USHER SYNDROME TYPE IIA, MODIFIER OF; USHER SYNDROME, TYPE IIA. Identifiers: Orphanet 231178, Orphanet 886, MedGen C1848634, MONDO:0010169, OMIM 276901.

Submission:

Myriad Genetics, Inc.
Classification: Likely pathogenic for Usher syndrome type 2A. Last evaluated: 2022-02-19. Review status: criteria provided, single submitter. Criteria: Myriad Women's Health Autosomal Recessive and X-Linked Classification Criteria (2021). Collection method: clinical testing. Allele origin: unknown.
Comment: NM_206933.2(USH2A):c.10843A>T(K3615*) is expected to be pathogenic in the context of USH2A-related disorders. This variant is predicted to lead to an abnormal or absent protein product due to the creation of a premature termination codon in USH2A, a gene where loss-of-function variants are known to be pathogenic. Please note: this variant was assessed in the context of healthy population screening.

NM_206933.4(USH2A):c.10843A>T (p.Lys3615Ter)

Gene: USH2A (usherin; minus strand). Cytogenetic location: 1q41.
Variant type: single nucleotide variant.
Coding change: c.10843A>T on transcript NM_206933.4 (MANE Select); coding-DNA position 10843, A replaced by T.
Protein change: p.Lys3615Ter; replaces lysine 3615 with a stop codon.
Molecular consequence: nonsense.
Genome position (GRCh38, 1-based): chr1:215,779,939, T>A on the plus strand (A>T on the coding strand, the complement: USH2A is on the minus strand). VCF-style: chr1-215779939-T-A. GRCh37 (hg19) VCF-style: chr1-215953281-T-A.
Other names: short protein forms K3615*.
Identifiers: ClinVar variation 1724559 (VCV001724559.2), dbSNP rs769795486, ClinGen allele CA344833847.